The following is an entry in ClinVar:

NM_015295.3(SMCHD1):c.263A>G (p.Asp88Gly)

Gene: SMCHD1 (structural maintenance of chromosomes flexible hinge domain containing 1; plus strand). Cytogenetic location: 18p11.32.
Variant type: single nucleotide variant.
Coding change: c.263A>G on transcript NM_015295.3 (MANE Select); coding-DNA position 263, A replaced by G.
Protein change: p.Asp88Gly; replaces aspartic acid 88 with glycine.
Molecular consequence: missense variant.
Genome position (GRCh38, 1-based): chr18:2,666,870, A>G. VCF-style: chr18-2666870-A-G. GRCh37 (hg19) VCF-style: chr18-2666869-A-G.
Other names: short protein forms D88G.
Identifiers: ClinVar variation 252695 (VCV000252695.63), dbSNP rs200521548, ClinGen allele CA8870519.

ClinVar aggregate classification (germline): Conflicting classifications of pathogenicity. Review status: criteria provided, conflicting classifications (1 of 4 stars). 7 submissions from 7 submitters: Uncertain significance (6); Likely benign (1). Last evaluated 2025-12-17.

Conditions:
Facioscapulohumeral muscular dystrophy 2 (FSHD2). Also called: MUSCULAR DYSTROPHY, FACIOSCAPULOHUMERAL, TYPE 1B; FACIOSCAPULOHUMERAL MUSCULAR DYSTROPHY 2, DIGENIC; FSHD2, DIGENIC. Identifiers: Orphanet 269, MedGen C1834671, MONDO:0008031, OMIM 158901.

Allele frequency attached by ClinVar (database versions not stated): gnomAD 0.00004 and 0.00007; TOPMed 0.00008; gnomAD exomes 0.00013 and 0.00017; ExAC 0.00027; 1000 Genomes Project 30x 0.00031; 1000 Genomes Project 0.00040.
gnomAD v4.1: 195 of 1,608,804 alleles (0.012%); highest among the groups gnomAD compares: Middle Eastern, 0.51%; 2 homozygotes.

Submissions (7):

Labcorp Genetics (formerly Invitae), Labcorp
Classification: Uncertain significance for Facioscapulohumeral muscular dystrophy 2. Last evaluated: 2025-12-17. Review status: criteria provided, single submitter. Criteria: Invitae Variant Classification Sherloc (09022015). Collection method: clinical testing. Allele origin: germline.
Comment: This sequence change replaces aspartic acid, which is acidic and polar, with glycine, which is neutral and non-polar, at codon 88 of the SMCHD1 protein (p.Asp88Gly). This variant is present in population databases (rs200521548, gnomAD 0.06%), and has an allele count higher than expected for a pathogenic variant. This missense change has been observed in individual(s) with fascioscapulohumeral muscular dystrophy (PMID: 31243061). ClinVar contains an entry for this variant (Variation ID: 252695). An algorithm developed to predict the effect of missense changes on protein structure and function (PolyPhen-2) suggests that this variant is likely to be tolerated. In summary, the available evidence is currently insufficient to determine the role of this variant in disease. Therefore, it has been classified as a Variant of Uncertain Significance.

Blueprint Genetics
Classification: Likely benign. Last evaluated: 2024-11-25. Review status: criteria provided, single submitter. Criteria: ACMG Guidelines, 2015. Collection method: clinical testing. Allele origin: germline.

Revvity Omics, Revvity
Classification: Uncertain significance. Last evaluated: 2024-07-11. Review status: criteria provided, single submitter. Criteria: ACMG Guidelines, 2015. Collection method: clinical testing. Allele origin: germline.

Dubai Health Genomic Medicine Center, Dubai Health
Classification: Uncertain significance. Last evaluated: 2020-08-17. Review status: criteria provided, single submitter. Criteria: ACMG Guidelines, 2015. Collection method: clinical testing. Allele origin: germline. Affected: yes.

Eurofins Ntd Llc (ga)
Classification: Uncertain significance. Last evaluated: 2018-01-22. Review status: criteria provided, single submitter. Criteria: EGL Classification Definitions 2015. Collection method: clinical testing. Allele origin: germline. Observed: 4 variant alleles, 4 heterozygotes.

CeGaT Center for Human Genetics Tuebingen
Classification: Uncertain significance. Last evaluated: 2016-05-01. Review status: criteria provided, single submitter. Criteria: CeGaT Center For Human Genetics Tuebingen Variant Classification Criteria Version 2. Collection method: clinical testing. Allele origin: germline. Affected: yes. Observed: 1 variant allele.

Genomic Diagnostic Laboratory, Division of Genomic Diagnostics, Children's Hospital of Philadelphia
Classification: Uncertain significance. Last evaluated: 2015-09-18. Review status: criteria provided, single submitter. Criteria: DGD Variant Analysis Guidelines. Collection method: clinical testing. Allele origin: unknown.

Literature cited by the submitters: PubMed 31243061 (cited by Labcorp Genetics (formerly Invitae), Labcorp).